The following is an entry in ClinVar:

ClinVar aggregate classification (germline): Uncertain significance. Review status: criteria provided, multiple submitters, no conflicts (2 of 4 stars). 3 submissions from 3 submitters: Uncertain significance (3). Last evaluated 2024-05-28.

Conditions:
Inborn genetic diseases. Identifiers: MedGen C0950123, MeSH D030342.

Allele frequency attached by ClinVar (database versions not stated): gnomAD exomes below 0.00001 and 0.00001; gnomAD 0.00003 and 0.00004; TOPMed 0.00009.
gnomAD v4.1: 19 of 1,594,244 alleles (0.0012%); highest among the groups gnomAD compares: Admixed American, 0.0083%; no homozygotes.

Submissions (3):

Ambry Genetics
Classification: Uncertain significance for Inborn genetic diseases. Last evaluated: 2024-05-28. Review status: criteria provided, single submitter. Criteria: Ambry Variant Classification Scheme 2023. Collection method: clinical testing. Allele origin: germline.

Labcorp Genetics (formerly Invitae), Labcorp
Classification: Uncertain significance. Last evaluated: 2022-08-09. Review status: criteria provided, single submitter. Criteria: Invitae Variant Classification Sherloc (09022015). Collection method: clinical testing. Allele origin: germline.
Comment: This sequence change replaces leucine, which is neutral and non-polar, with phenylalanine, which is neutral and non-polar, at codon 585 of the LRPPRC protein (p.Leu585Phe). This variant is present in population databases (no rsID available, gnomAD 0.008%). This variant has not been reported in the literature in individuals affected with LRPPRC-related conditions. ClinVar contains an entry for this variant (Variation ID: 1310663). Algorithms developed to predict the effect of missense changes on protein structure and function are either unavailable or do not agree on the potential impact of this missense change (SIFT: "Tolerated"; PolyPhen-2: "Probably Damaging"; Align-GVGD: "Class C0"). In summary, the available evidence is currently insufficient to determine the role of this variant in disease. Therefore, it has been classified as a Variant of Uncertain Significance.

GeneDx
Classification: Uncertain significance. Last evaluated: 2019-12-05. Review status: criteria provided, single submitter. Criteria: GeneDx Variant Classification Process June 2021. Collection method: clinical testing. Allele origin: germline. Affected: yes.
Comment: Not observed at a significant frequency in large population cohorts (Lek et al., 2016); In silico analysis, which includes protein predictors and evolutionary conservation, supports a deleterious effect; Has not been previously published as pathogenic or benign to our knowledge

NM_133259.4(LRPPRC):c.1753C>T (p.Leu585Phe)

Gene: LRPPRC (leucine rich pentatricopeptide repeat containing; minus strand). Cytogenetic location: 2p21.
Variant type: single nucleotide variant.
Coding change: c.1753C>T on transcript NM_133259.4 (MANE Select); coding-DNA position 1753, C replaced by T.
Protein change: p.Leu585Phe; replaces leucine 585 with phenylalanine.
Molecular consequence: missense variant.
Genome position (GRCh38, 1-based): chr2:43,948,501, G>A on the plus strand (C>T on the coding strand, the complement: LRPPRC is on the minus strand). VCF-style: chr2-43948501-G-A. GRCh37 (hg19) VCF-style: chr2-44175640-G-A.
Other names: short protein forms L585F.
Identifiers: ClinVar variation 1310663 (VCV001310663.5), dbSNP rs925345080, ClinGen allele CA46462762.